The following is an entry in ClinVar:

ClinVar aggregate classification (germline): Uncertain significance. Review status: criteria provided, multiple submitters, no conflicts (2 of 4 stars). 3 submissions from 3 submitters: Uncertain significance (2). 1 of the submissions does not count toward it. Last evaluated 2025-11-19.

Conditions:
Aicardi-Goutieres syndrome 5. Identifiers: Orphanet 51, MedGen C2749659, MONDO:0013059, OMIM 612952.
Aicardi Goutieres syndrome (AGS). Also called: Encephalopathy, familial infantile, with calcification of basal ganglia and chronic cerebrospinal fluid lymphocytosis. Identifiers: Orphanet 51, MedGen C0393591, MONDO:0018866.

Allele frequency attached by ClinVar (database versions not stated): gnomAD 0.00001; TOPMed 0.00002.

Submissions (3):

Women's Health and Genetics/Laboratory Corporation of America, LabCorp
Classification: Uncertain significance. Last evaluated: 2025-11-19. Review status: criteria provided, single submitter. Criteria: LabCorp Variant Classification Summary - May 2015. Collection method: clinical testing. Allele origin: germline.
Comment: Variant summary: SAMHD1 c.696G>T (p.Thr232Thr) alters a nucleotide located close to a canonical splice site and therefore could affect mRNA splicing, leading to a significantly altered protein sequence. Several computational tools predict a significant impact on normal splicing: Three predict the variant abolishes the canonical 5' splicing donor site and one predicts the variant weakens the 5' donor site. However, these predictions have yet to be confirmed by functional studies. The variant was absent in 251468 control chromosomes. The available data on variant occurrences in the general population are insufficient to allow any conclusion about variant significance. To our knowledge, no occurrence of c.696G>T in individuals affected with SAMHD1-related conditions and no experimental evidence demonstrating its impact on protein function have been reported. ClinVar contains an entry for this variant (Variation ID: 583260). Based on the evidence outlined above, the variant was classified as uncertain significance.

Labcorp Genetics (formerly Invitae), Labcorp
Classification: Uncertain significance for Aicardi-Goutieres syndrome 5. Last evaluated: 2022-07-12. Review status: criteria provided, single submitter. Criteria: Invitae Variant Classification Sherloc (09022015). Collection method: clinical testing. Allele origin: germline.
Comment: This sequence change affects codon 232 of the SAMHD1 mRNA. It is a 'silent' change, meaning that it does not change the encoded amino acid sequence of the SAMHD1 protein. This variant also falls at the last nucleotide of exon 6, which is part of the consensus splice site for this exon. This variant is not present in population databases (gnomAD no frequency). This variant has not been reported in the literature in individuals affected with SAMHD1-related conditions. ClinVar contains an entry for this variant (Variation ID: 583260). Variants that disrupt the consensus splice site are a relatively common cause of aberrant splicing (PMID: 17576681, 9536098). Algorithms developed to predict the effect of sequence changes on RNA splicing suggest that this variant may disrupt the consensus splice site. In summary, the available evidence is currently insufficient to determine the role of this variant in disease. Therefore, it has been classified as a Variant of Uncertain Significance.

Natera, Inc.
Classification: Uncertain significance for Aicardi-Goutieres syndrome. Last evaluated: 2021-01-25. Review status: no assertion criteria provided. Collection method: clinical testing. Allele origin: germline. Not counted in ClinVar's aggregate classification.

Literature cited by the submitters: PubMed 17576681 (cited by Labcorp Genetics (formerly Invitae), Labcorp); PubMed 9536098 (cited by Labcorp Genetics (formerly Invitae), Labcorp).

NM_015474.4(SAMHD1):c.696G>T (p.Thr232=)

Gene: SAMHD1 (SAM and HD domain containing deoxynucleoside triphosphate triphosphohydrolase 1; minus strand). Cytogenetic location: 20q11.23.
Variant type: single nucleotide variant.
Coding change: c.696G>T on transcript NM_015474.4 (MANE Select); coding-DNA position 696, G replaced by T.
Protein change: p.Thr232=; no amino-acid change (threonine 232 retained).
Molecular consequence: synonymous variant.
Genome position (GRCh38, 1-based): chr20:36,927,182, C>A on the plus strand (G>T on the coding strand, the complement: SAMHD1 is on the minus strand). VCF-style: chr20-36927182-C-A. GRCh37 (hg19) VCF-style: chr20-35555585-C-A.
Other names: c.696G>T, p.Thr232= (NM_001363729.2, NM_001363733.2).
Identifiers: ClinVar variation 583260 (VCV000583260.5), dbSNP rs763408711, ClinGen allele CA510384751.